The following is an entry in ClinVar:

ClinVar aggregate classification (germline): Likely benign (1 of 4 stars; one submission).

Allele frequency attached by ClinVar (database versions not stated): gnomAD exomes 0.00001; ExAC 0.00001.
gnomAD v4.1: 4 of 1,612,170 alleles (0.00025%); highest among the groups gnomAD compares: South Asian, 0.0044%; no homozygotes.

Submission:

GeneDx
Classification: Likely benign. Last evaluated: 2016-05-27. Review status: criteria provided, single submitter. Criteria: GeneDx Variant Classification (06012015). Collection method: clinical testing. Allele origin: germline. Affected: yes.
Comment: This variant is considered likely benign or benign based on one or more of the following criteria: it is a conservative change, it occurs at a poorly conserved position in the protein, it is predicted to be benign by multiple in silico algorithms, and/or has population frequency not consistent with disease.

NM_004637.6(RAB7A):c.-6T>C

Gene: RAB7A (RAB7A, member RAS oncogene family; plus strand). Cytogenetic location: 3q21.3.
Variant type: single nucleotide variant.
Coding change: c.-6T>C on transcript NM_004637.6 (MANE Select); 6 bases upstream of the start codon, T replaced by C.
Molecular consequence: 5 prime UTR variant.
Genome position (GRCh38, 1-based): chr3:128,795,362, T>C. VCF-style: chr3-128795362-T-C. GRCh37 (hg19) VCF-style: chr3-128514205-T-C.
Identifiers: ClinVar variation 386584 (VCV000386584.1), dbSNP rs777086793, ClinGen allele CA2600753.